The following is an entry in ClinVar:

NM_001394062.1(MACF1):c.11065C>G (p.Arg3689Gly)

Gene: MACF1 (microtubule actin crosslinking factor 1; plus strand). Cytogenetic location: 1p34.3.
Variant type: single nucleotide variant.
Coding change: c.11065C>G on transcript NM_001394062.1 (MANE Select); coding-DNA position 11065, C replaced by G.
Protein change: p.Arg3689Gly; replaces arginine 3689 with glycine.
Molecular consequence: missense variant.
Genome position (GRCh38, 1-based): chr1:39,350,884, C>G. VCF-style: chr1-39350884-C-G. GRCh37 (hg19) VCF-style: chr1-39816556-C-G.
Other names: c.4879C>G, p.Arg1627Gly (NM_012090.5); short protein forms R1627G, R3689G.
Identifiers: ClinVar variation 2102780 (VCV002102780.4), dbSNP rs537533581, ClinGen allele CA781500.
Genomic context (GRCh38, chr1:39,350,884, plus strand): 5'-GCCACTGTTGTCAAGGACATTGAGGGGTTCATGGAAGAGAATCAGACCAAGCTGAGCCCA[C>G]GTGAGTTGACAGCTCTTCGGGAAAAGCTTCATCAGGCTAAGGAGCAATATGAGGCGCTCC-3'
Protein context (NP_001380991.1, residues 3679-3699): MEENQTKLSP[Arg3689Gly]ELTALREKLH

ClinVar aggregate classification (germline): Uncertain significance (1 of 4 stars; one submission).

gnomAD v4.1: 6 of 1,613,992 alleles (0.00037%); highest among the groups gnomAD compares: Admixed American, 0.0083%; no homozygotes.

Submission:

Labcorp Genetics (formerly Invitae), Labcorp
Classification: Uncertain significance. Last evaluated: 2025-07-21. Review status: criteria provided, single submitter. Criteria: Invitae Variant Classification Sherloc (09022015). Collection method: clinical testing. Allele origin: germline.
Comment: This sequence change replaces arginine, which is basic and polar, with glycine, which is neutral and non-polar, at codon 1627 of the MACF1 protein (p.Arg1627Gly). This variant is present in population databases (rs537533581, gnomAD 0.01%). This variant has not been reported in the literature in individuals affected with MACF1-related conditions. ClinVar contains an entry for this variant (Variation ID: 2102780). An algorithm developed to predict the effect of missense changes on protein structure and function (PolyPhen-2) suggests that this variant is likely to be tolerated. In summary, the available evidence is currently insufficient to determine the role of this variant in disease. Therefore, it has been classified as a Variant of Uncertain Significance.